The following is an entry in ClinVar:

NM_080680.3(COL11A2):c.3853-39G>A

Gene: COL11A2 (collagen type XI alpha 2 chain; minus strand). Cytogenetic location: 6p21.32.
Variant type: single nucleotide variant.
Coding change: c.3853-39G>A on transcript NM_080680.3 (MANE Select); 39 bases into the intron before coding-DNA position 3853, G replaced by A.
Molecular consequence: intron variant.
Genome position (GRCh38, 1-based): chr6:33,168,798, C>T on the plus strand (G>A on the coding strand, the complement: COL11A2 is on the minus strand). VCF-style: chr6-33168798-C-T. GRCh37 (hg19) VCF-style: chr6-33136575-C-T.
Other names: c.3532-39G>A (NM_080679.3); c.3595-39G>A (NM_080681.3).
Identifiers: ClinVar variation 674781 (VCV000674781.4), dbSNP rs2855448, ClinGen allele CA3750337.

ClinVar aggregate classification (germline): Benign. Review status: criteria provided, multiple submitters, no conflicts (2 of 4 stars). 6 submissions from 2 submitters: Benign (6). Last evaluated 2021-07-22.

Conditions:
Fibrochondrogenesis 2 (FBCG2). Identifiers: Orphanet 2021, MedGen C3281128, MONDO:0013795, OMIM 614524.
Autosomal dominant nonsyndromic hearing loss 13. Identifiers: Orphanet 90635, MedGen C1866095, MONDO:0011159, OMIM 601868.
Autosomal recessive nonsyndromic hearing loss 53. Identifiers: Orphanet 90636, MedGen C1864746, MONDO:0012333, OMIM 609706.
Otospondylomegaepiphyseal dysplasia, autosomal dominant (OSMEDA). Also called: COL11A2-Related Stickler Syndrome; Stickler syndrome, type 3; Pierre Robin syndrome with fetal chondrodysplasia. Identifiers: Orphanet 166100, Orphanet 3450, MedGen C1848488, MONDO:0008490, OMIM 184840.
Otospondylomegaepiphyseal dysplasia, autosomal recessive (OSMEDB). Also called: CHONDRODYSTROPHY WITH SENSORINEURAL DEAFNESS; Insley-Astley syndrome. Identifiers: Orphanet 1427, MedGen CN034493, MONDO:0044206, OMIM 215150.

Allele frequency attached by ClinVar (database versions not stated): ESP Exome Variant Server 0.63753; gnomAD 0.64558 and 0.65809; gnomAD exomes 0.66905 and 0.71249; TOPMed 0.67338; ExAC 0.72579; 1000 Genomes Project 30x 0.74750; 1000 Genomes Project 0.75539.
gnomAD v4.1: 1,068,474 of 1,596,652 alleles (67%); highest among the groups gnomAD compares: East Asian, 98%; 363,593 homozygotes.

Submissions (6):

Genome-Nilou Lab
Classification: Benign for Autosomal dominant nonsyndromic hearing loss 13. Last evaluated: 2021-07-22. Review status: criteria provided, single submitter. Criteria: ACMG Guidelines, 2015. Collection method: clinical testing. Allele origin: germline. Affected: no.

Genome-Nilou Lab
Classification: Benign for Autosomal recessive nonsyndromic hearing loss 53. Last evaluated: 2021-07-22. Review status: criteria provided, single submitter. Criteria: ACMG Guidelines, 2015. Collection method: clinical testing. Allele origin: germline. Affected: no.

Genome-Nilou Lab
Classification: Benign for Fibrochondrogenesis 2. Last evaluated: 2021-07-22. Review status: criteria provided, single submitter. Criteria: ACMG Guidelines, 2015. Collection method: clinical testing. Allele origin: germline. Affected: no.

Genome-Nilou Lab
Classification: Benign for Otospondylomegaepiphyseal dysplasia, autosomal dominant. Last evaluated: 2021-07-22. Review status: criteria provided, single submitter. Criteria: ACMG Guidelines, 2015. Collection method: clinical testing. Allele origin: germline. Affected: no.

Genome-Nilou Lab
Classification: Benign for Otospondylomegaepiphyseal dysplasia, autosomal recessive. Last evaluated: 2021-07-22. Review status: criteria provided, single submitter. Criteria: ACMG Guidelines, 2015. Collection method: clinical testing. Allele origin: germline. Affected: no.

GeneDx
Classification: Benign. Last evaluated: 2018-06-13. Review status: criteria provided, single submitter. Criteria: GeneDx Variant Classification (06012015). Collection method: clinical testing. Allele origin: germline. Affected: yes.
Comment: This variant is considered likely benign or benign based on one or more of the following criteria: it is a conservative change, it occurs at a poorly conserved position in the protein, it is predicted to be benign by multiple in silico algorithms, and/or has population frequency not consistent with disease.